The following is an entry in ClinVar:

ClinVar aggregate classification (germline): Uncertain significance (1 of 4 stars; one submission).

Conditions:
Renal hypodysplasia/aplasia 1 (RHDA1). Also called: HEREDITARY RENAL APLASIA; RENAL APLASIA. Identifiers: Orphanet 411709, MedGen C1619700, MONDO:0024519, OMIM 191830.

Allele frequency attached by ClinVar (database versions not stated): ESP Exome Variant Server 0.00008; gnomAD 0.00008; ExAC 0.00021; 1000 Genomes Project 30x 0.00031; 1000 Genomes Project 0.00040.
gnomAD v4.1: 149 of 1,612,696 alleles (0.0092%); highest among the groups gnomAD compares: South Asian, 0.14%; 2 homozygotes.

Submission:

Neuberg Centre For Genomic Medicine, NCGM
Classification: Uncertain significance for Renal hypodysplasia/aplasia 1. Review status: criteria provided, single submitter. Criteria: ACMG Guidelines, 2015. Collection method: clinical testing. Allele origin: germline. Inheritance: Autosomal recessive inheritance. Affected: yes.
Comment: The missense variant p.S654L in ITGA8 (NM_003638.3) has not been reported previously as a pathogenic variant nor as a benign variant, to our knowledge. The missense variant c.1961C>T (p.S654L) in ITGA8 (NM_003638.3) is observed in 37/30598 (0.1209%) alleles from individuals of South Asian background in the gnomAD dataset (Exome Aggregation Consortium et al., 2016), but was not seen in the homozygous state. The p.S654L missense variant is predicted to be damaging by both SIFT and PolyPhen2. The nucleotide c.1961 in ITGA8 is predicted conserved by GERP++ and PhyloP across 100 vertebrates. For these reasons, this variant has been classified as Uncertain Significance.

NM_003638.3(ITGA8):c.1961C>T (p.Ser654Leu)

Gene: ITGA8 (integrin subunit alpha 8; minus strand). Cytogenetic location: 10p13.
Variant type: single nucleotide variant.
Coding change: c.1961C>T on transcript NM_003638.3 (MANE Select); coding-DNA position 1961, C replaced by T.
Protein change: p.Ser654Leu; replaces serine 654 with leucine.
Molecular consequence: missense variant.
Genome position (GRCh38, 1-based): chr10:15,605,733, G>A on the plus strand (C>T on the coding strand, the complement: ITGA8 is on the minus strand). VCF-style: chr10-15605733-G-A. GRCh37 (hg19) VCF-style: chr10-15647732-G-A.
Other names: c.1916C>T, p.Ser639Leu (NM_001291494.2); short protein forms S639L, S654L.
Identifiers: ClinVar variation 2627438 (VCV002627438.1), dbSNP rs150148399, ClinGen allele CA5420017.